The following is an entry in ClinVar:

ClinVar aggregate classification (germline): Uncertain significance (1 of 4 stars; one submission).

Allele frequency attached by ClinVar (database versions not stated): gnomAD exomes 0.00034; ExAC 0.00054; ESP Exome Variant Server 0.00115; gnomAD 0.00124; 1000 Genomes Project 0.00140; 1000 Genomes Project 30x 0.00156; TOPMed 0.00160.

Submission:

Center for Genomics, Ann and Robert H. Lurie Children's Hospital of Chicago
Classification: Uncertain significance. Last evaluated: 2021-03-30. Review status: criteria provided, single submitter. Criteria: ACMG Guidelines, 2015. Collection method: clinical testing. Allele origin: germline.
Comment: SELE NM_000450 exon 11 p.Pro550Ser (c.1648C>T): This variant has not been reported in the literature but is present in 0.4% (119/23902) of African alleles in the Genome Aggregation Database. Evolutionary conservation and computational predictive tools for this variant are unclear. In summary, data on this variant is insufficient for disease classification. Therefore, the clinical significance of this variant is uncertain.

NM_000450.2(SELE):c.1648C>T (p.Pro550Ser)

Gene: SELE (selectin E; minus strand). Cytogenetic location: 1q24.2.
Variant type: single nucleotide variant.
Coding change: c.1648C>T on transcript NM_000450.2 (MANE Select); coding-DNA position 1648, C replaced by T.
Protein change: p.Pro550Ser; replaces proline 550 with serine.
Molecular consequence: missense variant.
Genome position (GRCh38, 1-based): chr1:169,726,804, G>A on the plus strand (C>T on the coding strand, the complement: SELE is on the minus strand). VCF-style: chr1-169726804-G-A. GRCh37 (hg19) VCF-style: chr1-169695945-G-A.
Other names: short protein forms P550S.
Identifiers: ClinVar variation 626011 (VCV000626011.2), dbSNP rs3917429, ClinGen allele CA1236007.